The following is an entry in ClinVar:

ClinVar aggregate classification (germline): Pathogenic (1 of 4 stars; one submission).

Conditions:
Familial cancer of breast. Also called: BREAST CANCER, FAMILIAL; Hereditary breast cancer; hereditary breast carcinoma. Identifiers: Orphanet 227535, MedGen C0346153, MONDO:0016419, OMIM 114480. Disease mechanism: loss of function.

Submission:

Myriad Genetics, Inc.
Classification: Pathogenic for Familial cancer of breast. Last evaluated: 2023-10-10. Review status: criteria provided, single submitter. Criteria: Myriad Autosomal Dominant, Autosomal Recessive and X-Linked Classification Criteria (2023). Collection method: clinical testing. Allele origin: unknown.
Comment: This variant is considered pathogenic. This variant creates a frameshift predicted to result in premature protein truncation.

NM_000051.4(ATM):c.6633dup (p.Leu2212fs)

Genes: ATM (ATM serine/threonine kinase; plus strand), C11orf65 (chromosome 11 open reading frame 65; minus strand). Cytogenetic location: 11q22.3.
Variant type: Duplication.
Coding change: c.6633dup on transcript NM_000051.4 (MANE Select); coding-DNA position 6633, one base duplicated (T; older notation c.6633dupT).
Protein change: p.Leu2212fs; shifts the reading frame from leucine 2212.
Molecular consequence: frameshift variant. On other transcripts: intron variant (2).
Genome position (GRCh38, 1-based): chr11:108,325,370, T duplicated; the last of 2 consecutive T bases (chr11:108,325,369-108,325,370); duplicating either gives the same sequence. VCF-style (leftmost placement, unchanged base first): chr11-108325368-C-CT. GRCh37 (hg19) VCF-style: chr11-108196095-C-CT.
Other names: c.6633dup, p.Leu2212fs (NM_001351834.2); c.641-16298dup (NM_001330368.2); c.*38+9851dup (NM_001351110.2); short protein forms L2212fs.
Identifiers: ClinVar variation 2673980 (VCV002673980.1), dbSNP rs2547201049, ClinGen allele CA2695198971.
Genomic context (GRCh38, chr11:108,325,368, plus strand): 5'-AGATCAGTCACACATAGACAACTCTCTGAAGTATATATTAAGTGGCAGAAACACTCCCAG[C>CT]TTCTCAAGGACAGTGATTTTAGTTTTCAGGAGCCTATCATGGCTCTACGCACAGTCATTT-3'